The following is an entry in ClinVar:

NM_024675.4(PALB2):c.1697G>C (p.Arg566Pro)

Gene: PALB2 (partner and localizer of BRCA2; minus strand). Cytogenetic location: 16p12.2.
Variant type: single nucleotide variant.
Coding change: c.1697G>C on transcript NM_024675.4 (MANE Select); coding-DNA position 1697, G replaced by C.
Protein change: p.Arg566Pro; replaces arginine 566 with proline.
Molecular consequence: missense variant.
Genome position (GRCh38, 1-based): chr16:23,630,457, C>G on the plus strand (G>C on the coding strand, the complement: PALB2 is on the minus strand). VCF-style: chr16-23630457-C-G. GRCh37 (hg19) VCF-style: chr16-23641778-C-G.
Other names: short protein forms R566P.
Identifiers: ClinVar variation 140894 (VCV000140894.25), dbSNP rs144617793, ClinGen allele CA163866.

ClinVar aggregate classification (germline): Conflicting classifications of pathogenicity. Review status: criteria provided, conflicting classifications (1 of 4 stars). 8 submissions from 8 submitters: Uncertain significance (7); Likely benign (1). Last evaluated 2026-02-22.

Conditions:
Pancreatic cancer, susceptibility to, 3. Identifiers: Orphanet 1333, MedGen C3150547, MONDO:0013236, OMIM 613348.
Fanconi anemia complementation group N. Also called: PALB2-Related Fanconi Anemia. Identifiers: Orphanet 84, MedGen C1835817, MONDO:0012565, OMIM 610832. Disease mechanism: loss of function.
Breast-ovarian cancer, familial, susceptibility to, 5 (BROVCA5). Identifiers: MedGen C5830615, MONDO:0957530, OMIM 620442.
PALB2-related disorder. Also called: PALB2-related condition; PALB2-related disorders.
Hereditary cancer-predisposing syndrome. Also called: Tumor predisposition; Neoplastic Syndromes, Hereditary; Hereditary neoplastic syndrome; Hereditary Cancer Syndrome. Identifiers: Orphanet 140162, MedGen C0027672, MeSH D009386, MONDO:0015356.
Familial cancer of breast. Also called: BREAST CANCER, FAMILIAL; Hereditary breast cancer; hereditary breast carcinoma. Identifiers: Orphanet 227535, MedGen C0346153, MONDO:0016419, OMIM 114480. Disease mechanism: loss of function.

gnomAD v4.1: 6 of 1,611,736 alleles (0.00037%); highest among the groups gnomAD compares: African/African-American, 0.0013%; no homozygotes.

Submissions (8):

PreventionGenetics, part of Exact Sciences
Classification: Uncertain significance for PALB2-related condition. Last evaluated: 2026-02-22. Review status: criteria provided, single submitter. Criteria: ACMG Guidelines, 2015. Collection method: clinical testing. Allele origin: germline.
Comment: The PALB2 c.1697G>C variant is predicted to result in the amino acid substitution p.Arg566Pro. To our knowledge, this variant has not been reported in the literature in individuals with PALB2-related disease. This variant is reported in 0.0063% of alleles in individuals of African descent in gnomAD and has conflicting interpretations in ClinVar ranging from uncertain to likely benign (Variation ID: 140894). At this time, the clinical significance of this variant is uncertain due to the absence of conclusive functional and genetic evidence.

Labcorp Genetics (formerly Invitae), Labcorp
Classification: Uncertain significance for Familial cancer of breast. Last evaluated: 2025-12-01. Review status: criteria provided, single submitter. Criteria: Invitae Variant Classification Sherloc (09022015). Collection method: clinical testing. Allele origin: germline.
Comment: This sequence change replaces arginine, which is basic and polar, with proline, which is neutral and non-polar, at codon 566 of the PALB2 protein (p.Arg566Pro). This variant is present in population databases (rs144617793, gnomAD 0.007%). This variant has not been reported in the literature in individuals affected with PALB2-related conditions. ClinVar contains an entry for this variant (Variation ID: 140894). Invitae Evidence Modeling of protein sequence and biophysical properties (such as structural, functional, and spatial information, amino acid conservation, physicochemical variation, residue mobility, and thermodynamic stability) indicates that this missense variant is not expected to disrupt PALB2 protein function with a negative predictive value of 80%. In summary, the available evidence is currently insufficient to determine the role of this variant in disease. Therefore, it has been classified as a Variant of Uncertain Significance.

Quest Diagnostics Nichols Institute San Juan Capistrano
Classification: Uncertain significance. Last evaluated: 2024-06-19. Review status: criteria provided, single submitter. Criteria: Quest Diagnostics criteria. Collection method: clinical testing. Allele origin: unknown.
Comment: The PALB2 c.1697G>C (p.Arg566Pro) variant has not been reported in individuals with PALB2-related conditions in the published literature. The frequency of this variant in the general population, 0.000012 (3/246172 chromosomes (Genome Aggregation Database)), is uninformative in the assessment of its pathogenicity. Analysis of this variant using bioinformatics tools for the prediction of the effect of amino acid changes on protein structure and function yielded predictions that this variant is benign. Based on the available information, we are unable to determine the clinical significance of this variant.

Ambry Genetics
Classification: Likely benign for Hereditary cancer-predisposing syndrome. Last evaluated: 2024-03-28. Review status: criteria provided, single submitter. Criteria: Ambry Variant Classification Scheme 2023. Collection method: clinical testing. Allele origin: germline.

Department of Pathology and Laboratory Medicine, Sinai Health System
Classification: Uncertain significance for Fanconi anemia complementation group N; Pancreatic cancer, susceptibility to, 3; Breast-ovarian cancer, familial, susceptibility to, 5. Last evaluated: 2023-05-03. Review status: criteria provided, single submitter. Criteria: ACMG Guidelines, 2015. Collection method: clinical testing. Allele origin: germline. Affected: no.

Institute for Clinical Genetics, University Hospital TU Dresden, University Hospital TU Dresden
Classification: Uncertain significance. Last evaluated: 2021-11-03. Review status: criteria provided, single submitter. Criteria: ACMG Guidelines, 2015. Collection method: clinical testing. Allele origin: germline.

GeneDx
Classification: Uncertain significance. Last evaluated: 2021-09-01. Review status: criteria provided, single submitter. Criteria: GeneDx Variant Classification Process June 2021. Collection method: clinical testing. Allele origin: germline. Affected: yes.
Comment: Not observed at significant frequency in large population cohorts (Lek 2016); In silico analysis supports that this missense variant does not alter protein structure/function; Has not been previously published as pathogenic or benign to our knowledge

Color Diagnostics, LLC DBA Color Health
Classification: Uncertain significance for Hereditary cancer-predisposing syndrome. Last evaluated: 2021-02-15. Review status: criteria provided, single submitter. Criteria: ACMG Guidelines, 2015. Collection method: clinical testing. Allele origin: germline.
Comment: This missense variant replaces arginine with proline at codon 566 of the PALB2 protein. Computational prediction suggests that this variant may not impact protein structure and function (internally defined REVEL score threshold <= 0.5, PMID: 27666373). Splice site prediction tools suggest that this variant may not impact RNA splicing. To our knowledge, functional studies have not been performed for this variant. This variant has not been reported in individuals affected with hereditary cancer in the literature. This variant has been identified in 3/246172 chromosomes in the general population by the Genome Aggregation Database (gnomAD). The available evidence is insufficient to determine the role of this variant in disease conclusively. Therefore, this variant is classified as a Variant of Uncertain Significance.

Literature cited by the submitters: PubMed 38153744 (cited by Quest Diagnostics Nichols Institute San Juan Capistrano); PubMed 31214711 (cited by Quest Diagnostics Nichols Institute San Juan Capistrano); PubMed 30287823 (cited by Quest Diagnostics Nichols Institute San Juan Capistrano).